The following is an entry in ClinVar:

ClinVar aggregate classification (germline): Likely benign. Review status: criteria provided, multiple submitters, no conflicts (2 of 4 stars). 7 submissions from 7 submitters: Likely benign (7). Last evaluated 2026-04-22.

Conditions:
MYH7-related disorder. Also called: MYH7-related condition; MYH7-related disease; MYH7-related disorders.
Cardiovascular phenotype. Identifiers: MedGen CN230736.
Cardiomyopathy (CMYO). Also called: Cardiomyopathies. Identifiers: Orphanet 167848, MedGen C0878544, MONDO:0004994, HP:0001638. Inheritance: Various modes of inheritance.
Hypertrophic cardiomyopathy. Also called: HYPERTROPHIC MYOCARDIOPATHY. Identifiers: Orphanet 217569, MedGen C0007194, MeSH D002312, MONDO:0005045, HP:0001639.

Allele frequency attached by ClinVar (database versions not stated): gnomAD 0.00001; gnomAD exomes 0.00001 and 0.00002; TOPMed 0.00001; ExAC 0.00002.
gnomAD v4.1: 22 of 1,613,962 alleles (0.0014%); highest among the groups gnomAD compares: East Asian, 0.0067%; no homozygotes.

Submissions (7):

PreventionGenetics, part of Exact Sciences
Classification: Likely benign for MYH7-related condition. Last evaluated: 2026-04-22. Review status: criteria provided, single submitter. Criteria: ACMG Guidelines, 2015. Collection method: clinical testing. Allele origin: germline.
Comment: This variant is classified as likely benign based on ACMG/AMP sequence variant interpretation guidelines (Richards et al. 2015 PMID: 25741868, with internal and published modifications).

Labcorp Genetics (formerly Invitae), Labcorp
Classification: Likely benign for Hypertrophic cardiomyopathy. Last evaluated: 2025-12-25. Review status: criteria provided, single submitter. Criteria: Invitae Variant Classification Sherloc (09022015). Collection method: clinical testing. Allele origin: germline.

Blueprint Genetics
Classification: Likely benign. Last evaluated: 2023-11-29. Review status: criteria provided, single submitter. Criteria: ACMG Guidelines, 2015. Collection method: clinical testing. Allele origin: germline.

Ambry Genetics
Classification: Likely benign for Cardiovascular phenotype. Last evaluated: 2022-10-23. Review status: criteria provided, single submitter. Criteria: Ambry Variant Classification Scheme 2023. Collection method: clinical testing. Allele origin: germline.

CHEO Genetics Diagnostic Laboratory, Children's Hospital of Eastern Ontario
Classification: Likely benign for Cardiomyopathy. Last evaluated: 2020-07-21. Review status: criteria provided, single submitter. Criteria: ACMG Guidelines, 2015. Collection method: clinical testing. Allele origin: germline.

Color Diagnostics, LLC DBA Color Health
Classification: Likely benign for Cardiomyopathy. Last evaluated: 2019-05-22. Review status: criteria provided, single submitter. Criteria: ACMG Guidelines, 2015. Collection method: clinical testing. Allele origin: germline.

Laboratory for Molecular Medicine, Mass General Brigham Personalized Medicine
Classification: Likely benign. Last evaluated: 2010-08-13. Review status: criteria provided, single submitter. Criteria: LMM Criteria. Collection method: clinical testing. Allele origin: germline. Observed: 2 variant alleles.
Comment: This variant is not expected to have clinical significance because it does not a lter an amino acid residue and is not located near a splice junction. Therefore, it is unlikely that this variant is disease-causing.

Literature cited by the submitters: PubMed 12379228 (cited by Laboratory for Molecular Medicine, Mass General Brigham Personalized Medicine).

NM_000257.4(MYH7):c.1926G>A (p.Ser642=)

Gene: MYH7 (myosin heavy chain 7; minus strand). Cytogenetic location: 14q11.2.
Variant type: single nucleotide variant.
Coding change: c.1926G>A on transcript NM_000257.4 (MANE Select); coding-DNA position 1926, G replaced by A.
Protein change: p.Ser642=; no amino-acid change (serine 642 retained).
Molecular consequence: synonymous variant.
Genome position (GRCh38, 1-based): chr14:23,427,270, C>T on the plus strand (G>A on the coding strand, the complement: MYH7 is on the minus strand). VCF-style: chr14-23427270-C-T. GRCh37 (hg19) VCF-style: chr14-23896479-C-T.
Identifiers: ClinVar variation 42872 (VCV000042872.22), dbSNP rs397516126, ClinGen allele CA011482.